The following is an entry in ClinVar:

NM_000492.4(CFTR):c.1911del (p.Gln637fs)

Gene: CFTR (CF transmembrane conductance regulator; plus strand). Cytogenetic location: 7q31.2.
Variant type: Deletion.
Coding change: c.1911del on transcript NM_000492.4 (MANE Select); coding-DNA position 1911, one base deleted (G; older notation c.1911delG).
Protein change: p.Gln637fs; shifts the reading frame from glutamine 637.
Molecular consequence: frameshift variant.
Genome position (GRCh38, 1-based): chr7:117,592,078, G deleted. VCF-style (leftmost placement, unchanged base first): chr7-117592077-AG-A. GRCh37 (hg19) VCF-style: chr7-117232131-AG-A.
Other names: 2043delG; c.1911delG (NM_000492.4, NM_000492.3); short protein forms Q637fs.
Identifiers: ClinVar variation 35834 (VCV000035834.25), dbSNP rs1554389296, ClinGen allele CA325698.

ClinVar aggregate classification (germline): Pathogenic. Review status: reviewed by expert panel (3 of 4 stars). 13 submissions from 13 submitters: Pathogenic (1). 12 of the submissions do not count toward it. Last evaluated 2021-09-24.

Conditions:
CFTR-related disorder (CFTR-RD). Also called: CFTR-related disorders; CFTR-related condition. Identifiers: MedGen C5924204, MONDO:7770004.
Cystic fibrosis (CF). Also called: MUCOVISCIDOSIS. Identifiers: Orphanet 586, MedGen C0010674, MONDO:0009061, OMIM 219700. Disease mechanism: loss of function.
Congenital bilateral aplasia of vas deferens from CFTR mutation (CBAVD). Identifiers: Orphanet 48, MedGen C0403814, MONDO:0010178, OMIM 277180. Disease mechanism: loss of function.
Hereditary pancreatitis (PCTT). Also called: Hereditary chronic pancreatitis; PRSS1-Related Hereditary Pancreatitis. Identifiers: Orphanet 676, MedGen C0238339, MONDO:0008185, OMIM 167800.
Bronchiectasis with or without elevated sweat chloride 1 (BESC1). Also called: Cystic Fibrosis-Like Syndrome. Identifiers: Orphanet 60033, MedGen C2749757, MONDO:0008887, OMIM 211400.

Allele frequency attached by ClinVar (database versions not stated): gnomAD exomes below 0.00001.

Submissions (13):

CFTR2
Classification: Pathogenic for Cystic fibrosis. Last evaluated: 2021-09-24. Review status: reviewed by expert panel. Criteria: Submitter's publication and website. Collection method: research. Allele origin: germline. Affected: yes.

Natera, Inc.
Classification: Pathogenic for CFTR-related disorders. Last evaluated: 2024-09-03. Review status: criteria provided, single submitter. Criteria: Natera Variant Classification Schema (03/2026). Collection method: clinical testing. Allele origin: germline. Not counted in ClinVar's aggregate classification.
Comment: The c.1911delG variant in CFTR is a frameshift variant predicted to shift the reading frame beginning at codon 637 and leads to a stop codon 26 codons downstream. This variant is expected to result in nonsense mediated decay, truncation, or a dysfunctional protein product. This variant is rare in the general population with a frequency below the threshold expected for the associated phenotype(s). This variant has been observed in one or more individuals affected with the associated recessive disease, as either homozygous or compound heterozygous with a second variant (PMID: 35468710). Given the available evidence, this variant is classified as Pathogenic.

Fulgent Genetics
Classification: Pathogenic for Hereditary pancreatitis; Bronchiectasis with or without elevated sweat chloride 1; Cystic fibrosis; Congenital bilateral aplasia of vas deferens from CFTR mutation. Last evaluated: 2024-06-18. Review status: criteria provided, single submitter. Criteria: ACMG Guidelines, 2015. Collection method: clinical testing. Allele origin: germline. Not counted in ClinVar's aggregate classification.

Genomic Medicine Center of Excellence, King Faisal Specialist Hospital and Research Centre
Classification: Pathogenic for Cystic fibrosis. Last evaluated: 2024-03-25. Review status: criteria provided, single submitter. Criteria: ACMG Guidelines, 2015. Collection method: clinical testing. Allele origin: germline. Not counted in ClinVar's aggregate classification.

Baylor Genetics
Classification: Pathogenic for Bronchiectasis with or without elevated sweat chloride 1. Last evaluated: 2023-11-04. Review status: criteria provided, single submitter. Criteria: ACMG Guidelines, 2015. Collection method: clinical testing. Allele origin: unknown. Not counted in ClinVar's aggregate classification.

Labcorp Genetics (formerly Invitae), Labcorp
Classification: Pathogenic for Cystic fibrosis. Last evaluated: 2023-04-25. Review status: criteria provided, single submitter. Criteria: Invitae Variant Classification Sherloc (09022015). Collection method: clinical testing. Allele origin: germline. Not counted in ClinVar's aggregate classification.
Comment: For these reasons, this variant has been classified as Pathogenic. ClinVar contains an entry for this variant (Variation ID: 35834). This variant is also known as c.2043delG. This premature translational stop signal has been observed in individuals with cystic fibrosis (PMID: 9429141, 9521595, 20797923, 21198395, 25824381, 30548586). This variant is not present in population databases (gnomAD no frequency). This sequence change creates a premature translational stop signal (p.Gln637Hisfs*26) in the CFTR gene. It is expected to result in an absent or disrupted protein product. Loss-of-function variants in CFTR are known to be pathogenic (PMID: 1695717, 7691345, 9725922).

Laboratory for Molecular Medicine, Mass General Brigham Personalized Medicine
Classification: Pathogenic for Cystic fibrosis. Last evaluated: 2022-11-03. Review status: criteria provided, single submitter. Criteria: ACMG Guidelines, 2015. Collection method: clinical testing. Allele origin: germline. Not counted in ClinVar's aggregate classification.
Comment: The p.Gln637HisfsX26 variant in CFTR has been reported in numerous individuals with cystic fibrosis, in the homozygous and compouned heterozygous state (selected references: el-Harith 1997 PMID: 9429141, Onay 1998 PMID: 9521595, Farra 2010 PMID: 20797923, Bonyadi 2011 PMID: 21198395, Esmaeili Dooki 2015 PMID: 25824381, Petrova 2019 PMID:30548586). It was absent from large population studies. This variant was classified as Pathogenic on Sep 24, 2021 by the ClinGen-approved CFTR2 expert panel (Variation ID 35834). This variant is predicted to cause a frameshift, which alters the protein's amino acid sequence beginning at codon 637 and leads to a premature stop codon 26 amino acids downstream. This alteration is then predicted to lead to a truncated or absent protein. In summary, this variant meets criteria to be classified as pathogenic for autosomal recessive cystic fibrosis. ACMG/AMP Criteria applied: PVS1, PM2_Supporting, PM3_Very strong.

Institute of Human Genetics, University of Leipzig Medical Center
Classification: Pathogenic for Cystic fibrosis. Last evaluated: 2022-09-05. Review status: criteria provided, single submitter. Criteria: ACMG Guidelines, 2015. Collection method: curation. Allele origin: unknown. Affected: yes. Observed: 5 variant alleles. Not counted in ClinVar's aggregate classification.
Comment: This variant was identified in 5 unrelated patients with a clinically confirmed diagnosis of cystic fibrosis. The variant was classified in the context of a project re-classifying variants in the German Cystic Fibrosis Registry (Muko.e.V.). Criteria applied: PVS1, PM2_SUP, PM3_STR, PP4

Clinical Genetics Laboratory, Skane University Hospital Lund
Classification: Pathogenic. Last evaluated: 2022-06-15. Review status: criteria provided, single submitter. Criteria: ACMG Guidelines, 2015. Collection method: clinical testing. Allele origin: germline. Affected: yes. Not counted in ClinVar's aggregate classification.

Genome-Nilou Lab
Classification: Pathogenic for Cystic fibrosis. Last evaluated: 2021-07-22. Review status: criteria provided, single submitter. Criteria: ACMG Guidelines, 2015. Collection method: clinical testing. Allele origin: germline. Affected: no. Not counted in ClinVar's aggregate classification.

Myriad Genetics, Inc.
Classification: Pathogenic for Cystic fibrosis. Last evaluated: 2019-11-12. Review status: criteria provided, single submitter. Criteria: Myriad Women's Health Autosomal Recessive and X-Linked Classification Criteria (2019). Collection method: clinical testing. Allele origin: unknown. Not counted in ClinVar's aggregate classification.
Comment: NM_000492.3(CFTR):c.1911delG(Q637Hfs*26, aka 2043delG) is classified as pathogenic in the context of cystic fibrosis. Sources cited for classification include the following: PMID 9521595, 12521276, 25824381, 20797923 and 9429141. Classification of NM_000492.3(CFTR):c.1911delG(Q637Hfs*26, aka 2043delG) is based on the following criteria: The variant causes a premature termination codon that is expected to be targeted by nonsense-mediated mRNA decay and is reported in individuals with the relevant phenotype. Please note: this variant was assessed in the context of healthy population screening.â€šÃ„Ã¶âˆšÃ‘âˆšÂ£

Kariminejad - Najmabadi Pathology & Genetics Center
Classification: Pathogenic for Cystic fibrosis. Review status: criteria provided, single submitter. Criteria: ACMG Guidelines, 2015. Collection method: clinical testing. Allele origin: germline. Affected: no. Not counted in ClinVar's aggregate classification.

Women's Health and Genetics/Laboratory Corporation of America, LabCorp
Classification: Pathogenic for Cystic Fibrosis. Last evaluated: 2015-04-03. Review status: no assertion criteria provided. Collection method: clinical testing. Allele origin: germline. Not counted in ClinVar's aggregate classification.

Literature cited by the submitters: PubMed 35468710 (cited by Natera, Inc.); PubMed 9429141 (cited by Labcorp Genetics (formerly Invitae), Labcorp and Myriad Genetics, Inc.); PubMed 9521595 (cited by Labcorp Genetics (formerly Invitae), Labcorp and Myriad Genetics, Inc.); PubMed 20797923 (cited by Labcorp Genetics (formerly Invitae), Labcorp and Myriad Genetics, Inc.); PubMed 21198395 (cited by Labcorp Genetics (formerly Invitae), Labcorp); PubMed 25824381 (cited by Labcorp Genetics (formerly Invitae), Labcorp and Myriad Genetics, Inc.); PubMed 30548586 (cited by Labcorp Genetics (formerly Invitae), Labcorp); PubMed 1695717 (cited by Labcorp Genetics (formerly Invitae), Labcorp); PubMed 7691345 (cited by Labcorp Genetics (formerly Invitae), Labcorp); PubMed 9725922 (cited by Labcorp Genetics (formerly Invitae), Labcorp); PubMed 12521276 (cited by Myriad Genetics, Inc.).